The following is an entry in ClinVar:

NM_003718.5(CDK13):c.490G>A (p.Ala164Thr)

Gene: CDK13 (cyclin dependent kinase 13; plus strand). Cytogenetic location: 7p14.1.
Variant type: single nucleotide variant.
Coding change: c.490G>A on transcript NM_003718.5 (MANE Select); coding-DNA position 490, G replaced by A.
Protein change: p.Ala164Thr; replaces alanine 164 with threonine.
Molecular consequence: missense variant.
Genome position (GRCh38, 1-based): chr7:39,951,131, G>A. VCF-style: chr7-39951131-G-A. GRCh37 (hg19) VCF-style: chr7-39990730-G-A.
Other names: c.490G>A, p.Ala164Thr (NM_031267.4); short protein forms A164T.
Identifiers: ClinVar variation 2571865 (VCV002571865.1), dbSNP rs1307510038, ClinGen allele CA367309854.

ClinVar aggregate classification (germline): Uncertain significance (1 of 4 stars; one submission).

Submission:

GeneDx
Classification: Uncertain significance. Last evaluated: 2023-01-05. Review status: criteria provided, single submitter. Criteria: GeneDx Variant Classification Process June 2021. Collection method: clinical testing. Allele origin: germline. Affected: yes.
Comment: Not observed at significant frequency in large population cohorts (gnomAD); In silico analysis supports that this missense variant does not alter protein structure/function; Has not been previously published as pathogenic or benign to our knowledge